The following is an entry in ClinVar:

NM_001244008.2(KIF1A):c.3669G>A (p.Thr1223=)

Gene: KIF1A (kinesin family member 1A; minus strand). Cytogenetic location: 2q37.3.
Variant type: single nucleotide variant.
Coding change: c.3669G>A on transcript NM_001244008.2 (MANE Select); coding-DNA position 3669, G replaced by A.
Protein change: p.Thr1223=; no amino-acid change (threonine 1223 retained).
Molecular consequence: synonymous variant.
Genome position (GRCh38, 1-based): chr2:240,741,349, C>T on the plus strand (G>A on the coding strand, the complement: KIF1A is on the minus strand). VCF-style: chr2-240741349-C-T. GRCh37 (hg19) VCF-style: chr2-241680766-C-T.
Other names: p.Thr1122=; c.3669G>A (NM_001244008.1); c.3393G>A, p.Thr1131= (NM_001320705.2, NM_001330289.2, NM_001379638.1); c.3468G>A, p.Thr1156= (NM_001330290.2, NM_001379634.1, NM_001379635.1 and 1 more transcripts); c.3744G>A, p.Thr1248= (NM_001379631.1); c.3618G>A, p.Thr1206= (NM_001379632.1); c.3642G>A, p.Thr1214= (NM_001379633.1, NM_001379642.1, NM_001379645.1); c.3366G>A, p.Thr1122= (NM_001379636.1, NM_001379639.1, NM_001379641.1 and 5 more transcripts); and 2 more.
Identifiers: ClinVar variation 532889 (VCV000532889.45), dbSNP rs371491091, ClinGen allele CA2207707.

ClinVar aggregate classification (germline): Likely benign. Review status: criteria provided, multiple submitters, no conflicts (2 of 4 stars). 8 submissions from 8 submitters: Likely benign (8). Last evaluated 2026-08-14.

Conditions:
Hereditary spastic paraplegia 30. Identifiers: Orphanet 101010, MedGen C5235139, MONDO:0012476.
Neuropathy, hereditary sensory, type 2C. Also called: Hereditary sensory and autonomic neuropathy type IIC; KIF1A-Related HSAN2 (HSAN2C). Identifiers: Orphanet 970, MedGen C3280168, MONDO:0013634, OMIM 614213.
Intellectual disability, autosomal dominant 9 (NESCAVS). Also called: NESCAV SYNDROME; KIF1A-Related Neurodevelopmental Disorder. Identifiers: Orphanet 662367, MedGen C5393830, MONDO:0013656, OMIM 614255.
KIF1A-related disorder. Also called: KIF1A-related disorders; KIF1A-related condition.

Allele frequency attached by ClinVar (database versions not stated): TOPMed 0.00012; ESP Exome Variant Server 0.00016.
gnomAD v4.1: 256 of 1,586,544 alleles (0.016%); highest among the groups gnomAD compares: Non-Finnish European, 0.019%; no homozygotes.

Submissions (8):

PreventionGenetics, part of Exact Sciences
Classification: Likely benign for KIF1A-related condition. Last evaluated: 2026-08-14. Review status: criteria provided, single submitter. Criteria: ACMG Guidelines, 2015. Collection method: clinical testing. Allele origin: germline.
Comment: This variant is classified as likely benign based on ACMG/AMP sequence variant interpretation guidelines (Richards et al. 2015 PMID: 25741868, with internal and published modifications).

Women's Health and Genetics/Laboratory Corporation of America, LabCorp
Classification: Likely benign. Last evaluated: 2026-02-03. Review status: criteria provided, single submitter. Criteria: LabCorp Variant Classification Summary - May 2015. Collection method: clinical testing. Allele origin: germline.

Labcorp Genetics (formerly Invitae), Labcorp
Classification: Likely benign for Hereditary spastic paraplegia 30; Neuropathy, hereditary sensory, type 2C; Intellectual disability, autosomal dominant 9. Last evaluated: 2025-12-23. Review status: criteria provided, single submitter. Criteria: Invitae Variant Classification Sherloc (09022015). Collection method: clinical testing. Allele origin: germline.

CeGaT Center for Human Genetics Tuebingen
Classification: Likely benign. Last evaluated: 2024-08-01. Review status: criteria provided, single submitter. Criteria: CeGaT Center For Human Genetics Tuebingen Variant Classification Criteria Version 2. Collection method: clinical testing. Allele origin: germline. Affected: yes. Observed: 3 variant alleles.
Comment: KIF1A: BP4, BP7

Blueprint Genetics
Classification: Likely benign. Last evaluated: 2024-07-10. Review status: criteria provided, single submitter. Criteria: ACMG Guidelines, 2015. Collection method: clinical testing. Allele origin: germline.

Mayo Clinic Laboratories, Mayo Clinic
Classification: Likely benign. Last evaluated: 2021-09-14. Review status: criteria provided, single submitter. Criteria: ACMG Guidelines, 2015. Collection method: clinical testing. Allele origin: germline. Observed: 2 variant alleles.

GeneDx
Classification: Likely benign. Last evaluated: 2019-06-13. Review status: criteria provided, single submitter. Criteria: GeneDx Variant Classification Process June 2021. Collection method: clinical testing. Allele origin: germline. Affected: yes.

Genetic Services Laboratory, University of Chicago
Classification: Likely benign. Last evaluated: 2018-04-09. Review status: criteria provided, single submitter. Criteria: ACMG Guidelines, 2015. Collection method: clinical testing. Allele origin: germline. Affected: no.